The following is an entry in ClinVar:

ClinVar aggregate classification (germline): Uncertain significance. Review status: criteria provided, multiple submitters, no conflicts (2 of 4 stars). 2 submissions from 2 submitters: Uncertain significance (2). Last evaluated 2026-02-27.

Conditions:
Congenital contractural arachnodactyly (CCA). Also called: Beals-Hecht syndrome; BEALS SYNDROME; Arthrogryposis, distal, type 9. Identifiers: Orphanet 115, MedGen C0220668, MONDO:0007363, OMIM 121050.
Familial thoracic aortic aneurysm and aortic dissection (TAAD). Also called: Thoracic aortic aneurysms and dissections. Identifiers: Orphanet 91387, MedGen C4707243, MONDO:0019625.

Allele frequency attached by ClinVar (database versions not stated): gnomAD exomes below 0.00001; TOPMed 0.00001.
gnomAD v4.1: 2 of 1,613,086 alleles (0.00012%); highest among the groups gnomAD compares: Admixed American, 0.0033%; no homozygotes.

Submissions (2):

Ambry Genetics
Classification: Uncertain significance for Familial thoracic aortic aneurysm and aortic dissection. Last evaluated: 2026-02-27. Review status: criteria provided, single submitter. Criteria: Ambry Variant Classification Scheme 2023. Collection method: clinical testing. Allele origin: germline.
Comment: The c.824A>C (p.Q275P) alteration is located in exon 6 (coding exon 6) of the FBN2 gene. This alteration results from a A to C substitution at nucleotide position 824, causing the glutamine (Q) at amino acid position 275 to be replaced by a proline (P). Based on data from gnomAD, the C allele has an overall frequency of <0.001% (1/249798) total alleles studied. The highest observed frequency was 0.003% (1/34586) of Latino alleles. Based on insufficient or conflicting evidence, the clinical significance of this alteration remains unclear.

Labcorp Genetics (formerly Invitae), Labcorp
Classification: Uncertain significance for Congenital contractural arachnodactyly. Last evaluated: 2025-08-16. Review status: criteria provided, single submitter. Criteria: Invitae Variant Classification Sherloc (09022015). Collection method: clinical testing. Allele origin: germline.
Comment: This sequence change replaces glutamine, which is neutral and polar, with proline, which is neutral and non-polar, at codon 275 of the FBN2 protein (p.Gln275Pro). This variant is present in population databases (no rsID available, gnomAD 0.003%). This variant has not been reported in the literature in individuals affected with FBN2-related conditions. ClinVar contains an entry for this variant (Variation ID: 2727205). An algorithm developed to predict the effect of missense changes on protein structure and function (PolyPhen-2) suggests that this variant is likely to be disruptive. In summary, the available evidence is currently insufficient to determine the role of this variant in disease. Therefore, it has been classified as a Variant of Uncertain Significance.

NM_001999.4(FBN2):c.824A>C (p.Gln275Pro)

Gene: FBN2 (fibrillin 2; minus strand). Cytogenetic location: 5q23.3.
Variant type: single nucleotide variant.
Coding change: c.824A>C on transcript NM_001999.4 (MANE Select); coding-DNA position 824, A replaced by C.
Protein change: p.Gln275Pro; replaces glutamine 275 with proline.
Molecular consequence: missense variant.
Genome position (GRCh38, 1-based): chr5:128,464,726, T>G on the plus strand (A>C on the coding strand, the complement: FBN2 is on the minus strand). VCF-style: chr5-128464726-T-G. GRCh37 (hg19) VCF-style: chr5-127800419-T-G.
Other names: c.824A>C (NM_001999.3); short protein forms Q275P.
Identifiers: ClinVar variation 2727205 (VCV002727205.4), dbSNP rs1289807020, ClinGen allele CA360754593.
Genomic context (GRCh38, chr5:128,464,726, plus strand): 5'-CAACAAAAAGAGAAGTGGCAGGTCTGCGATGGTGTGCACAGGCAGACAGCTGACTCACCT[T>G]GGCAAGCTCCAGTGCGGATGTTGGGGATGAAACCCCGTCGGCAGGGCTGAGGCTGGGCTG-3'
Protein context (NP_001990.2, residues 265-285): FIPNIRTGAC[Gln275Pro]DVDECQAIPG